The following is an entry in ClinVar:

ClinVar aggregate classification (germline): Uncertain significance (1 of 4 stars; one submission).

Conditions:
Neonatal encephalomyopathy-cardiomyopathy-respiratory distress syndrome. Also called: Coenzyme Q10 deficiency, primary, 7. Identifiers: Orphanet 457185, MedGen C5568562, MONDO:0014562, OMIM 616276.

Allele frequency attached by ClinVar (database versions not stated): gnomAD 0.00001.

Submission:

Labcorp Genetics (formerly Invitae), Labcorp
Classification: Uncertain significance for Neonatal encephalomyopathy-cardiomyopathy-respiratory distress syndrome. Last evaluated: 2023-10-12. Review status: criteria provided, single submitter. Criteria: Invitae Variant Classification Sherloc (09022015). Collection method: clinical testing. Allele origin: germline.
Comment: This sequence change replaces histidine, which is basic and polar, with arginine, which is basic and polar, at codon 163 of the COQ4 protein (p.His163Arg). This variant is not present in population databases (gnomAD no frequency). This variant has not been reported in the literature in individuals affected with COQ4-related conditions. Advanced modeling of protein sequence and biophysical properties (such as structural, functional, and spatial information, amino acid conservation, physicochemical variation, residue mobility, and thermodynamic stability) has been performed at Invitae for this missense variant, however the output from this modeling did not meet the statistical confidence thresholds required to predict the impact of this variant on COQ4 protein function. In summary, the available evidence is currently insufficient to determine the role of this variant in disease. Therefore, it has been classified as a Variant of Uncertain Significance.

NM_016035.5(COQ4):c.488A>G (p.His163Arg)

Gene: COQ4 (coenzyme Q4; plus strand). Cytogenetic location: 9q34.11.
Variant type: single nucleotide variant.
Coding change: c.488A>G on transcript NM_016035.5 (MANE Select); coding-DNA position 488, A replaced by G.
Protein change: p.His163Arg; replaces histidine 163 with arginine.
Molecular consequence: missense variant. On other transcripts: intron variant (1).
Genome position (GRCh38, 1-based): chr9:128,332,238, A>G. VCF-style: chr9-128332238-A-G. GRCh37 (hg19) VCF-style: chr9-131094517-A-G.
Other names: c.*3-1236A>G (NM_001305942.2); short protein forms H163R.
Identifiers: ClinVar variation 2856328 (VCV002856328.3), dbSNP rs1012543716, ClinGen allele CA200341735.
Genomic context (GRCh38, chr9:128,332,238, plus strand): 5'-CCACCCGCTTCGTGGATGATGAGGAGCTAGCGTATGTGATTCAGCGGTACCGGGAGGTGC[A>G]CGACATGCTTCACACCCTGCTGGGGATGCCCACCAACATCCTGGGTGAGTGCCCCCAACC-3'
Protein context (NP_057119.3, residues 153-173): AYVIQRYREV[His163Arg]DMLHTLLGMP